The following is an entry in ClinVar:

NM_000487.6(ARSA):c.385G>A (p.Gly129Arg)

Gene: ARSA (arylsulfatase A; minus strand). Cytogenetic location: 22q13.33.
Variant type: single nucleotide variant.
Coding change: c.385G>A on transcript NM_000487.6 (MANE Select); coding-DNA position 385, G replaced by A.
Protein change: p.Gly129Arg; replaces glycine 129 with arginine.
Molecular consequence: missense variant.
Genome position (GRCh38, 1-based): chr22:50,627,246, C>T on the plus strand (G>A on the coding strand, the complement: ARSA is on the minus strand). VCF-style: chr22-50627246-C-T. GRCh37 (hg19) VCF-style: chr22-51065674-C-T.
Other names: c.385G>A, p.Gly129Arg (NM_001085425.3, NM_001085426.3, NM_001085427.3); c.127G>A, p.Gly43Arg (NM_001085428.3, NM_001362782.2); short protein forms G129R, G43R.
Identifiers: ClinVar variation 1041453 (VCV001041453.10), dbSNP rs753872402, ClinGen allele CA10325043.

ClinVar aggregate classification (germline): Pathogenic (1 of 4 stars; one submission).

Conditions:
Metachromatic leukodystrophy (MLD). Also called: Cerebral sclerosis diffuse metachromatic form; Arylsulfatase A Deficiency; ARSA DEFICIENCY; CEREBROSIDE SULFATASE DEFICIENCY; METACHROMATIC LEUKOENCEPHALOPATHY; SULFATIDE LIPIDOSIS. Identifiers: Orphanet 512, MedGen C0023522, MONDO:0018868, OMIM 250100.

Allele frequency attached by ClinVar (database versions not stated): ExAC 0.00003; gnomAD exomes 0.00001 and below 0.00001.

Submissions (2):

Labcorp Genetics (formerly Invitae), Labcorp
Classification: Pathogenic for Metachromatic leukodystrophy. Last evaluated: 2026-01-15. Review status: criteria provided, single submitter. Criteria: Invitae Variant Classification Sherloc (09022015). Collection method: clinical testing. Allele origin: germline.
Comment: This sequence change replaces glycine, which is neutral and non-polar, with arginine, which is basic and polar, at codon 129 of the ARSA protein (p.Gly129Arg). This variant is present in population databases (rs753872402, gnomAD 0.007%). This missense change has been observed in individuals with clinical features of metachromatic leukodystrophy (PMID: 30674982, 31069529; internal data). This variant is also known as c.379G>A (p.Gly127Arg). ClinVar contains an entry for this variant (Variation ID: 1041453). Invitae Evidence Modeling of protein sequence and biophysical properties (such as structural, functional, and spatial information, amino acid conservation, physicochemical variation, residue mobility, and thermodynamic stability) indicates that this missense variant is expected to disrupt ARSA protein function with a positive predictive value of 95%. For these reasons, this variant has been classified as Pathogenic.

Gelb Laboratory, University of Washington
No classification provided (evidence only). Condition: Metachromatic leukodystrophy. Review status: no classification provided. Collection method: in vitro. Allele origin: not applicable. Functional consequence: loss of function. Not counted in ClinVar's aggregate classification.

Literature cited by the submitters: PubMed 30674982 (cited by Labcorp Genetics (formerly Invitae), Labcorp); PubMed 31069529 (cited by Labcorp Genetics (formerly Invitae), Labcorp).